The following is an entry in ClinVar:

NM_024675.4(PALB2):c.2095dup (p.Ser699fs)

Gene: PALB2 (partner and localizer of BRCA2; minus strand). Cytogenetic location: 16p12.2.
Variant type: Duplication.
Coding change: c.2095dup on transcript NM_024675.4 (MANE Select); coding-DNA position 2095, one base duplicated (T; older notation c.2095dupT).
Protein change: p.Ser699fs; shifts the reading frame from serine 699.
Molecular consequence: frameshift variant. On other transcripts: intron variant (1).
Genome position (GRCh38, 1-based): chr16:23,630,059, A duplicated on the plus strand (T on the coding strand, the reverse complement: PALB2 is on the minus strand); the first of 3 consecutive A bases (chr16:23,630,059-23,630,061); duplicating any one gives the same sequence. VCF-style (leftmost placement, unchanged base first): chr16-23630058-G-GA. GRCh37 (hg19) VCF-style: chr16-23641379-G-GA.
Other names: c.2035dup, p.Ser679fs (NM_001407296.1); c.2095dup, p.Ser699fs (NM_001407297.1, NM_001407298.1, NM_001407299.1 and 3 more transcripts); c.1210dup, p.Ser404fs (NM_001407304.1, NM_001407305.1, NM_001407306.1 and 5 more transcripts); c.307dup, p.Ser103fs (NM_001407312.1, NM_001407313.1); c.49-784dup (NM_001407314.1); short protein forms S103fs, S404fs, S679fs, S699fs.
Identifiers: ClinVar variation 2674108 (VCV002674108.1), dbSNP rs2506423101, ClinGen allele CA2695197501.

ClinVar aggregate classification (germline): Pathogenic (1 of 4 stars; one submission).

Conditions:
Familial cancer of breast. Also called: Hereditary breast cancer; BREAST CANCER, FAMILIAL; hereditary breast carcinoma. Identifiers: Orphanet 227535, MedGen C0346153, MONDO:0016419, OMIM 114480. Disease mechanism: loss of function.

Submission:

Myriad Genetics, Inc.
Classification: Pathogenic for Familial cancer of breast. Last evaluated: 2023-09-12. Review status: criteria provided, single submitter. Criteria: Myriad Autosomal Dominant, Autosomal Recessive and X-Linked Classification Criteria (2023). Collection method: clinical testing. Allele origin: unknown.
Comment: This variant is considered pathogenic. This variant creates a frameshift predicted to result in premature protein truncation.